The following is an entry in ClinVar:

ClinVar aggregate classification (germline): Uncertain significance (1 of 4 stars; one submission).

Submission:

Labcorp Genetics (formerly Invitae), Labcorp
Classification: Uncertain significance. Last evaluated: 2025-01-12. Review status: criteria provided, single submitter. Criteria: Invitae Variant Classification Sherloc (09022015). Collection method: clinical testing. Allele origin: germline.
Comment: This sequence change replaces arginine, which is basic and polar, with lysine, which is basic and polar, at codon 691 of the TNFAIP3 protein (p.Arg691Lys). This variant is not present in population databases (gnomAD no frequency). This variant has not been reported in the literature in individuals affected with TNFAIP3-related conditions. An algorithm developed to predict the effect of missense changes on protein structure and function (PolyPhen-2) suggests that this variant is likely to be tolerated. In summary, the available evidence is currently insufficient to determine the role of this variant in disease. Therefore, it has been classified as a Variant of Uncertain Significance.

NM_001270508.2(TNFAIP3):c.2072G>A (p.Arg691Lys)

Gene: TNFAIP3 (TNF alpha induced protein 3; plus strand). Cytogenetic location: 6q23.3.
Variant type: single nucleotide variant.
Coding change: c.2072G>A on transcript NM_001270508.2 (MANE Select); coding-DNA position 2072, G replaced by A.
Protein change: p.Arg691Lys; replaces arginine 691 with lysine.
Molecular consequence: missense variant.
Genome position (GRCh38, 1-based): chr6:137,880,236, G>A. VCF-style: chr6-137880236-G-A. GRCh37 (hg19) VCF-style: chr6-138201373-G-A.
Other names: c.2072G>A, p.Arg691Lys (NM_001270507.2, NM_006290.4); short protein forms R691K.
Identifiers: ClinVar variation 3728869 (VCV003728869.2).
Genomic context (GRCh38, chr6:137,880,236, plus strand): 5'-AAGGATACTGCCAGAAGTGTTTCATTGAAGCTCAGAATCAGAGATTTCATGAGGCCAAAA[G>A]GACAGAAGAGCAACTGGTGAGACACTTGGAGGAGCTTTCCCTCCCTCCCGTGTGTTCGAT-3'
Protein context (NP_001257437.1, residues 681-701): AQNQRFHEAK[Arg691Lys]TEEQLRSSQR